The following is an entry in ClinVar:

ClinVar aggregate classification (germline): Uncertain significance (1 of 4 stars; one submission).

Conditions:
Primary ciliary dyskinesia 6. Also called: Primary Ciliary Dyskinesia 6: TXNDC3-Related Primary Ciliary Dyskinesia. Identifiers: Orphanet 244, MedGen C1970506, MONDO:0012571, OMIM 610852.

gnomAD v4.1: 7 of 1,613,870 alleles (0.00043%); highest among the groups gnomAD compares: East Asian, 0.011%; no homozygotes.

Submission:

Labcorp Genetics (formerly Invitae), Labcorp
Classification: Uncertain significance for Primary ciliary dyskinesia 6. Last evaluated: 2025-01-29. Review status: criteria provided, single submitter. Criteria: Invitae Variant Classification Sherloc (09022015). Collection method: clinical testing. Allele origin: germline.
Comment: This sequence change creates a premature translational stop signal (p.Leu546*) in the NME8 gene. It is expected to result in an absent or disrupted protein product. However, the current clinical and genetic evidence is not sufficient to establish whether loss-of-function variants in NME8 cause disease. This variant is present in population databases (rs199902263, gnomAD 0.02%). This variant has not been reported in the literature in individuals affected with NME8-related conditions. In summary, the available evidence is currently insufficient to determine the role of this variant in disease. Therefore, it has been classified as a Variant of Uncertain Significance.

NM_016616.5(NME8):c.1637T>A (p.Leu546Ter)

Gene: NME8 (NME/NM23 family member 8; plus strand). Cytogenetic location: 7p14.1.
Variant type: single nucleotide variant.
Coding change: c.1637T>A on transcript NM_016616.5 (MANE Select); coding-DNA position 1637, T replaced by A.
Protein change: p.Leu546Ter; replaces leucine 546 with a stop codon.
Molecular consequence: nonsense.
Genome position (GRCh38, 1-based): chr7:37,896,962, T>A. VCF-style: chr7-37896962-T-A. GRCh37 (hg19) VCF-style: chr7-37936564-T-A.
Other names: short protein forms L546*.
Identifiers: ClinVar variation 3630545 (VCV003630545.2).